The following is an entry in ClinVar:

ClinVar aggregate classification (germline): Uncertain significance. Review status: criteria provided, multiple submitters, no conflicts (2 of 4 stars). 4 submissions from 4 submitters: Uncertain significance (4). Last evaluated 2025-07-21.

Conditions:
Hereditary cancer-predisposing syndrome. Also called: Hereditary Cancer Syndrome; Tumor predisposition; Neoplastic Syndromes, Hereditary; Hereditary neoplastic syndrome. Identifiers: Orphanet 140162, MedGen C0027672, MeSH D009386, MONDO:0015356.
Familial cancer of breast. Also called: Hereditary breast cancer; BREAST CANCER, FAMILIAL; hereditary breast carcinoma. Identifiers: Orphanet 227535, MedGen C0346153, MONDO:0016419, OMIM 114480. Disease mechanism: loss of function.

Allele frequency attached by ClinVar (database versions not stated): gnomAD exomes below 0.00001.
gnomAD v4.1: 1 of 1,613,686 alleles (0.000062%); highest among the groups gnomAD compares: African/African-American, 0.0013%; no homozygotes.

Submissions (4):

Ambry Genetics
Classification: Uncertain significance for Hereditary cancer-predisposing syndrome. Last evaluated: 2025-07-21. Review status: criteria provided, single submitter. Criteria: Ambry Variant Classification Scheme 2023. Collection method: clinical testing. Allele origin: germline.
Comment: The p.D101H variant (also known as c.301G>C), located in coding exon 4 of the PALB2 gene, results from a G to C substitution at nucleotide position 301. The aspartic acid at codon 101 is replaced by histidine, an amino acid with similar properties. This amino acid position is not well conserved in available vertebrate species. In addition, this alteration is predicted to be tolerated by in silico analysis. Since supporting evidence is limited at this time, the clinical significance of this alteration remains unclear.

GeneDx
Classification: Uncertain significance. Last evaluated: 2025-04-28. Review status: criteria provided, single submitter. Criteria: GeneDx Variant Classification Process June 2021. Collection method: clinical testing. Allele origin: germline. Affected: yes.
Comment: Not observed at significant frequency in large population cohorts (gnomAD); In silico analysis supports that this missense variant has a deleterious effect on protein structure/function; Has not been previously published as pathogenic or benign to our knowledge; This variant is associated with the following publications: (PMID: 20871615, 19369211)

Labcorp Genetics (formerly Invitae), Labcorp
Classification: Uncertain significance for Familial cancer of breast. Last evaluated: 2022-10-27. Review status: criteria provided, single submitter. Criteria: Invitae Variant Classification Sherloc (09022015). Collection method: clinical testing. Allele origin: germline.
Comment: This variant has not been reported in the literature in individuals affected with PALB2-related conditions. In summary, the available evidence is currently insufficient to determine the role of this variant in disease. Therefore, it has been classified as a Variant of Uncertain Significance. Algorithms developed to predict the effect of missense changes on protein structure and function (SIFT, PolyPhen-2, Align-GVGD) all suggest that this variant is likely to be tolerated. ClinVar contains an entry for this variant (Variation ID: 197352). This variant is present in population databases (rs794727654, gnomAD 0.007%). This sequence change replaces aspartic acid, which is acidic and polar, with histidine, which is basic and polar, at codon 101 of the PALB2 protein (p.Asp101His).

Eurofins Ntd Llc (ga)
Classification: Uncertain significance. Last evaluated: 2015-01-07. Review status: criteria provided, single submitter. Criteria: EGL Classification Definitions 2015. Collection method: clinical testing. Allele origin: germline. Observed: 1 variant allele, 1 heterozygote.

NM_024675.4(PALB2):c.301G>C (p.Asp101His)

Gene: PALB2 (partner and localizer of BRCA2; minus strand). Cytogenetic location: 16p12.2.
Variant type: single nucleotide variant.
Coding change: c.301G>C on transcript NM_024675.4 (MANE Select); coding-DNA position 301, G replaced by C.
Protein change: p.Asp101His; replaces aspartic acid 101 with histidine.
Molecular consequence: missense variant.
Genome position (GRCh38, 1-based): chr16:23,636,245, C>G on the plus strand (G>C on the coding strand, the complement: PALB2 is on the minus strand). VCF-style: chr16-23636245-C-G. GRCh37 (hg19) VCF-style: chr16-23647566-C-G.
Other names: short protein forms D101H.
Identifiers: ClinVar variation 197352 (VCV000197352.21), dbSNP rs794727654, ClinGen allele CA245442.